The following is an entry in ClinVar:

NM_015164.4(PLEKHM2):c.960A>C (p.Lys320Asn)

Gene: PLEKHM2 (pleckstrin homology and RUN domain containing M2; plus strand). Cytogenetic location: 1p36.21.
Variant type: single nucleotide variant.
Coding change: c.960A>C on transcript NM_015164.4 (MANE Select); coding-DNA position 960, A replaced by C.
Protein change: p.Lys320Asn; replaces lysine 320 with asparagine.
Molecular consequence: missense variant.
Genome position (GRCh38, 1-based): chr1:15,727,032, A>C. VCF-style: chr1-15727032-A-C. GRCh37 (hg19) VCF-style: chr1-16053527-A-C.
Other names: c.900A>C, p.Lys300Asn (NM_001410755.1); short protein forms K300N, K320N.
Identifiers: ClinVar variation 4812804 (VCV004812804.1).
Genomic context (GRCh38, chr1:15,727,032, plus strand): 5'-ACTACTCAGGGGTTAACACTCTCCCCGTCGTTACTGTCCCAGGGTCACCAAGAAGAAGAA[A>C]ATTGGCAAGAAGAAAAAGAGCAGATCAGATGAGGAGGCAAGTCCACTCCACCCCGCCTGC-3'
Protein context (NP_055979.2, residues 310-330): LEVIRVTKKK[Lys320Asn]IGKKKKSRSD

ClinVar aggregate classification (germline): Uncertain significance (1 of 4 stars; one submission).

Submission:

Labcorp Genetics (formerly Invitae), Labcorp
Classification: Uncertain significance. Last evaluated: 2025-10-01. Review status: criteria provided, single submitter. Criteria: Invitae Variant Classification Sherloc (09022015). Collection method: clinical testing. Allele origin: germline.
Comment: This sequence change replaces lysine, which is basic and polar, with asparagine, which is neutral and polar, at codon 320 of the PLEKHM2 protein (p.Lys320Asn). This variant is not present in population databases (gnomAD no frequency). This variant has not been reported in the literature in individuals affected with PLEKHM2-related conditions. An algorithm developed to predict the effect of missense changes on protein structure and function (PolyPhen-2) suggests that this variant is likely to be disruptive. In summary, the available evidence is currently insufficient to determine the role of this variant in disease. Therefore, it has been classified as a Variant of Uncertain Significance.